The following is an entry in ClinVar:

NM_002016.2(FLG):c.2373G>A (p.Gly791=)

Genes: CCDST (cervical cancer associated DHX9 suppressive transcript; plus strand), FLG (filaggrin; minus strand). Cytogenetic location: 1q21.3.
Variant type: single nucleotide variant.
Coding change: c.2373G>A on transcript NM_002016.2 (MANE Select); coding-DNA position 2373, G replaced by A.
Protein change: p.Gly791=; no amino-acid change (glycine 791 retained).
Molecular consequence: synonymous variant.
Genome position (GRCh38, 1-based): chr1:152,312,513, C>T on the plus strand (G>A on the coding strand, the complement: FLG is on the minus strand). VCF-style: chr1-152312513-C-T. GRCh37 (hg19) VCF-style: chr1-152284989-C-T.
Identifiers: ClinVar variation 3771736 (VCV003771736.13).

ClinVar aggregate classification (germline): Likely benign (1 of 4 stars; one submission).

gnomAD v4.1: 2 of 1,613,486 alleles (0.00012%); highest among the groups gnomAD compares: African/African-American, 0.0013%; no homozygotes.

Submission:

CeGaT Center for Human Genetics Tuebingen
Classification: Likely benign. Last evaluated: 2025-01-01. Review status: criteria provided, single submitter. Criteria: CeGaT Center For Human Genetics Tuebingen Variant Classification Criteria Version 2. Collection method: clinical testing. Allele origin: germline. Affected: yes. Observed: 1 variant allele.
Comment: FLG: BP4, BP7